The following is an entry in ClinVar:

ClinVar aggregate classification (germline): Pathogenic (1 of 4 stars; one submission).

Conditions:
Malignant hyperthermia, susceptibility to, 5 (MHS5). Also called: CACNA1S-Related Malignant Hyperthermia Susceptibility. Identifiers: Orphanet 423, MedGen C1866077, MONDO:0011163, OMIM 601887.
Hypokalemic periodic paralysis, type 1. Also called: Hypokalemic Periodic Paralysis Type 1 (AD); HypoPP. Identifiers: Orphanet 681, MedGen C3714580, MONDO:0042979, OMIM 170400.

Submission:

Labcorp Genetics (formerly Invitae), Labcorp
Classification: Pathogenic for Hypokalemic periodic paralysis, type 1; Malignant hyperthermia, susceptibility to, 5. Last evaluated: 2024-07-31. Review status: criteria provided, single submitter. Criteria: Invitae Variant Classification Sherloc (09022015). Collection method: clinical testing. Allele origin: germline.
Comment: This sequence change creates a premature translational stop signal (p.Met870Cysfs*24) in the CACNA1S gene. It is expected to result in an absent or disrupted protein product. Loss-of-function variants in CACNA1S are known to be pathogenic (PMID: 26247046, 28012042). This variant is not present in population databases (gnomAD no frequency). This variant has not been reported in the literature in individuals affected with CACNA1S-related conditions. For these reasons, this variant has been classified as Pathogenic.

Literature cited by the submitters: PubMed 26247046; PubMed 28012042.

NM_000069.3(CACNA1S):c.2608del (p.Met870fs)

Gene: CACNA1S (calcium voltage-gated channel subunit alpha1 S; minus strand). Cytogenetic location: 1q32.1.
Variant type: Deletion.
Coding change: c.2608del on transcript NM_000069.3 (MANE Select); coding-DNA position 2608, one base deleted (A; older notation c.2608delA).
Protein change: p.Met870fs; shifts the reading frame from methionine 870.
Molecular consequence: frameshift variant.
Genome position (GRCh38, 1-based): chr1:201,066,936, T deleted on the plus strand (A on the coding strand, the reverse complement: CACNA1S is on the minus strand). VCF-style (leftmost placement, unchanged base first): chr1-201066935-AT-A. GRCh37 (hg19) VCF-style: chr1-201036063-AT-A.
Other names: short protein forms M870fs.
Identifiers: ClinVar variation 3748770 (VCV003748770.2).
Genomic context (GRCh38, chr1:201,066,935, plus strand): 5'-GCCGCTGCTCACTCAAGTCCCATGGAGATGAGGGACACGGCCACCACCAGCAGGTCCAGC[AT>A]GTTGAAGTAATTGCGGCAGAAGGAACCCTTGTGCAGGAAGGCTCCGTAGGTCGTCATCTG-3'